The following is an entry in ClinVar:

ClinVar aggregate classification (germline): Uncertain significance. Review status: criteria provided, multiple submitters, no conflicts (2 of 4 stars). 8 submissions from 8 submitters: Uncertain significance (8). Last evaluated 2025-09-11.

Conditions:
Classic or attenuated familial adenomatous polyposis. Identifiers: MedGen CN372698, MONDO:0021057.
Hereditary cancer-predisposing syndrome. Also called: Hereditary neoplastic syndrome; Neoplastic Syndromes, Hereditary; Tumor predisposition; Hereditary Cancer Syndrome. Identifiers: Orphanet 140162, MedGen C0027672, MeSH D009386, MONDO:0015356.
Familial adenomatous polyposis 1 (FAP1). Also called: FAMILIAL ADENOMATOUS POLYPOSIS 1, ATTENUATED; POLYPOSIS, ADENOMATOUS INTESTINAL. Identifiers: MedGen C2713442, MONDO:0021056, OMIM 175100. Disease mechanism: loss of function.

Allele frequency attached by ClinVar (database versions not stated): gnomAD 0.00001; gnomAD exomes 0.00001; TOPMed 0.00001.

Submissions (8):

Quest Diagnostics Nichols Institute San Juan Capistrano
Classification: Uncertain significance. Last evaluated: 2025-09-11. Review status: criteria provided, single submitter. Criteria: Quest Diagnostics criteria. Collection method: clinical testing. Allele origin: unknown.
Comment: The APC c.8401C>T (p.Arg2801Trp) variant has not been reported in individuals with APC-related conditions in the published literature. The frequency of this variant in the general population (Genome Aggregation Database) is uninformative in the assessment of its pathogenicity. Analysis of this variant using bioinformatics tools for the prediction of the effect of amino acid changes on protein structure and function yielded predictions that this variant is damaging. Based on the available information, we are unable to determine the clinical significance of this variant.

Ambry Genetics
Classification: Uncertain significance for Hereditary cancer-predisposing syndrome. Last evaluated: 2025-05-06. Review status: criteria provided, single submitter. Criteria: Ambry Variant Classification Scheme 2023. Collection method: clinical testing. Allele origin: germline.
Comment: The p.R2801W variant (also known as c.8401C>T), located in coding exon 15 of the APC gene, results from a C to T substitution at nucleotide position 8401. The arginine at codon 2801 is replaced by tryptophan, an amino acid with dissimilar properties. This amino acid position is highly conserved in available vertebrate species. In addition, in silico predictors for this gene do not accurately predict pathogenicity. Missense alterations in APC are not a common cause of disease (Spier I et al. Genet Med. 2024 Feb;26(2):100992). Based on the available evidence, the clinical significance of this variant remains unclear.

Labcorp Genetics (formerly Invitae), Labcorp
Classification: Uncertain significance for Familial adenomatous polyposis 1. Last evaluated: 2025-03-09. Review status: criteria provided, single submitter. Criteria: Invitae Variant Classification Sherloc (09022015). Collection method: clinical testing. Allele origin: germline.
Comment: This sequence change replaces arginine, which is basic and polar, with tryptophan, which is neutral and slightly polar, at codon 2801 of the APC protein (p.Arg2801Trp). The frequency data for this variant in the population databases is considered unreliable, as metrics indicate poor data quality at this position in the gnomAD database. This variant has not been reported in the literature in individuals affected with APC-related conditions. ClinVar contains an entry for this variant (Variation ID: 482321). Invitae Evidence Modeling of protein sequence and biophysical properties (such as structural, functional, and spatial information, amino acid conservation, physicochemical variation, residue mobility, and thermodynamic stability) indicates that this missense variant is not expected to disrupt APC protein function with a negative predictive value of 95%. In summary, the available evidence is currently insufficient to determine the role of this variant in disease. Therefore, it has been classified as a Variant of Uncertain Significance.

All of Us Research Program, National Institutes of Health
Classification: Uncertain significance for Classic or attenuated familial adenomatous polyposis. Last evaluated: 2024-06-11. Review status: criteria provided, single submitter. Criteria: ACMG Guidelines, 2015. Collection method: clinical testing. Allele origin: germline. Inheritance: Autosomal dominant inheritance. Observed: 2 variant alleles, 2 heterozygotes.
Comment: This missense variant replaces arginine with tryptophan at codon 2801 of the APC protein. Computational prediction is inconclusive regarding the impact of this variant on protein structure and function (internally defined REVEL score threshold 0.5 < inconclusive < 0.7, PMID: 27666373). To our knowledge, functional studies have not been reported for this variant. This variant has not been reported in individuals affected with APC-related disorders in the literature. This variant has not been identified in the general population by the Genome Aggregation Database (gnomAD). The available evidence is insufficient to determine the role of this variant in disease conclusively. Therefore, this variant is classified as a Variant of Uncertain Significance.

This study involves interpretation of variants in research participants for the purpose of population health screening. Participant phenotype was not available at the time of variant classification. Additional details can be found in publication PMID: 35346344, PMCID: PMC8962531

Baylor Genetics
Classification: Uncertain significance for Familial adenomatous polyposis 1. Last evaluated: 2023-12-20. Review status: criteria provided, single submitter. Criteria: ACMG Guidelines, 2015. Collection method: clinical testing. Allele origin: unknown.

Color Diagnostics, LLC DBA Color Health
Classification: Uncertain significance for Hereditary cancer-predisposing syndrome. Last evaluated: 2022-11-07. Review status: criteria provided, single submitter. Criteria: ACMG Guidelines, 2015. Collection method: clinical testing. Allele origin: germline.
Comment: This missense variant replaces arginine with tryptophan at codon 2801 of the APC protein. Computational prediction is inconclusive regarding the impact of this variant on protein structure and function (internally defined REVEL score threshold 0.5 < inconclusive < 0.7, PMID: 27666373). To our knowledge, functional studies have not been reported for this variant. This variant has not been reported in individuals affected with APC-related disorders in the literature. This variant has not been identified in the general population by the Genome Aggregation Database (gnomAD). The available evidence is insufficient to determine the role of this variant in disease conclusively. Therefore, this variant is classified as a Variant of Uncertain Significance.

Blueprint Genetics
Classification: Uncertain significance. Last evaluated: 2020-04-15. Review status: criteria provided, single submitter. Criteria: ACMG Guidelines, 2015. Collection method: clinical testing. Allele origin: germline.

GeneDx
Classification: Uncertain significance. Last evaluated: 2019-11-04. Review status: criteria provided, single submitter. Criteria: GeneDx Variant Classification Process June 2021. Collection method: clinical testing. Allele origin: germline. Affected: yes.
Comment: Not observed at a significant frequency in large population cohorts (Lek 2016); In silico analysis, which includes protein predictors and evolutionary conservation, supports that this variant does not alter protein structure/function; Has not been previously published as pathogenic or benign to our knowledge

Literature cited by the submitters: PubMed 32658311 (cited by Quest Diagnostics Nichols Institute San Juan Capistrano); PubMed 32751567 (cited by Quest Diagnostics Nichols Institute San Juan Capistrano); PubMed 30666417 (cited by Quest Diagnostics Nichols Institute San Juan Capistrano).

NM_000038.6(APC):c.8401C>T (p.Arg2801Trp)

Gene: APC (APC regulator of Wnt signaling pathway; plus strand). Cytogenetic location: 5q22.2.
Variant type: single nucleotide variant.
Coding change: c.8401C>T on transcript NM_000038.6 (MANE Select); coding-DNA position 8401, C replaced by T.
Protein change: p.Arg2801Trp; replaces arginine 2801 with tryptophan.
Molecular consequence: missense variant.
Genome position (GRCh38, 1-based): chr5:112,843,995, C>T. VCF-style: chr5-112843995-C-T. GRCh37 (hg19) VCF-style: chr5-112179692-C-T.
Other names: c.8401C>T, p.Arg2801Trp (NM_001127510.3, NM_001354895.2); c.8347C>T, p.Arg2783Trp (NM_001127511.3); c.8455C>T, p.Arg2819Trp (NM_001354896.2); c.8431C>T, p.Arg2811Trp (NM_001354897.2); c.8326C>T, p.Arg2776Trp (NM_001354898.2); c.8317C>T, p.Arg2773Trp (NM_001354899.2); c.8278C>T, p.Arg2760Trp (NM_001354900.2); c.8224C>T, p.Arg2742Trp (NM_001354901.2); and 5 more; short protein forms R2801W, R2783W, R2700W, R2760W, R2518W, R2641W, R2675W, R2773W.
Identifiers: ClinVar variation 482321 (VCV000482321.29), dbSNP rs1242407699, ClinGen allele CA16039564.